The following is an entry in ClinVar:

NM_213720.3(CHCHD10):c.261+11_261+12delinsGC

Gene: CHCHD10 (coiled-coil-helix-coiled-coil-helix domain containing 10; minus strand). Cytogenetic location: 22q11.23.
Variant type: Indel.
Coding change: c.261+11_261+12delinsGC on transcript NM_213720.3 (MANE Select); bases 11 to 12 of the intron after coding-DNA position 261, AG replaced by GC.
Molecular consequence: intron variant.
Genome position (GRCh38, 1-based): chr22:23,767,362-23,767,363, CT replaced by GC on the plus strand (AG replaced by GC on the coding strand, the reverse complement: CHCHD10 is on the minus strand). VCF-style: chr22-23767362-CT-GC. GRCh37 (hg19) VCF-style: chr22-24109549-CT-GC.
Other names: c.261+11_261+12delinsGC (NM_001301339.2).
Identifiers: ClinVar variation 2944993 (VCV002944993.3), dbSNP rs2517621678, ClinGen allele CA2740094799.

ClinVar aggregate classification (germline): Uncertain significance (1 of 4 stars; one submission).

Conditions:
Lower motor neuron syndrome with late-adult onset (SMAJ). Also called: Spinal muscular atrophy, Jokela type; Late-Onset Spinal Motor Neuronopathy (SMAJ). Identifiers: Orphanet 276435, MedGen C3554398, MONDO:0014025, OMIM 615048.
Autosomal dominant mitochondrial myopathy with exercise intolerance (IMMD). Also called: Myopathy, isolated mitochondrial, autosomal dominant. Identifiers: Orphanet 457050, MedGen C4015513, MONDO:0014532, OMIM 616209.
Frontotemporal dementia and/or amyotrophic lateral sclerosis 2. Also called: FTDALS2. Identifiers: Orphanet 275872, MedGen C4014648, MONDO:0014395, OMIM 615911.

Submission:

Labcorp Genetics (formerly Invitae), Labcorp
Classification: Uncertain significance for Lower motor neuron syndrome with late-adult onset; Frontotemporal dementia and/or amyotrophic lateral sclerosis 2; Autosomal dominant mitochondrial myopathy with exercise intolerance. Last evaluated: 2023-03-05. Review status: criteria provided, single submitter. Criteria: Invitae Variant Classification Sherloc (09022015). Collection method: clinical testing. Allele origin: germline.
Comment: Information on the frequency of this variant in the gnomAD database is not available, as this variant may be reported differently in the database. This sequence change falls in intron 2 of the CHCHD10 gene. It does not directly change the encoded amino acid sequence of the CHCHD10 protein. This variant has not been reported in the literature in individuals affected with CHCHD10-related conditions. Experimental studies and prediction algorithms are not available or were not evaluated, and the effect of this variant on mRNA splicing is currently unknown. In summary, the available evidence is currently insufficient to determine the role of this variant in disease. Therefore, it has been classified as a Variant of Uncertain Significance.